The following is an entry in ClinVar:

ClinVar aggregate classification (germline): Conflicting classifications of pathogenicity. Review status: criteria provided, conflicting classifications (1 of 4 stars). 7 submissions from 7 submitters: Uncertain significance (5); Likely benign (2). Last evaluated 2025-12-09.

Conditions:
Juvenile polyposis syndrome (JPS). Identifiers: Orphanet 2929, MedGen C0345893, MONDO:0017380, OMIM 174900.
SMAD4-related disorder. Also called: SMAD4-related condition; SMAD4-Related disorders.
Hereditary cancer-predisposing syndrome. Also called: Hereditary neoplastic syndrome; Neoplastic Syndromes, Hereditary; Tumor predisposition; Hereditary Cancer Syndrome. Identifiers: Orphanet 140162, MedGen C0027672, MeSH D009386, MONDO:0015356.
Familial thoracic aortic aneurysm and aortic dissection (TAAD). Also called: Thoracic aortic aneurysms and dissections. Identifiers: Orphanet 91387, MedGen C4707243, MONDO:0019625.

Allele frequency attached by ClinVar (database versions not stated): gnomAD exomes below 0.00001 and 0.00001; ExAC 0.00002.

Submissions (7):

Labcorp Genetics (formerly Invitae), Labcorp
Classification: Likely benign for Juvenile polyposis syndrome. Last evaluated: 2025-12-09. Review status: criteria provided, single submitter. Criteria: Invitae Variant Classification Sherloc (09022015). Collection method: clinical testing. Allele origin: germline.

Center for Genomic Medicine, Rigshospitalet, Copenhagen University Hospital
Classification: Uncertain significance. Last evaluated: 2025-03-04. Review status: criteria provided, single submitter. Criteria: ACMG Guidelines, 2015. Collection method: clinical testing. Allele origin: germline.

Ambry Genetics
Classification: Likely benign for Hereditary cancer-predisposing syndrome; Familial thoracic aortic aneurysm and aortic dissection. Last evaluated: 2023-09-15. Review status: criteria provided, single submitter. Criteria: Ambry Variant Classification Scheme 2023. Collection method: clinical testing. Allele origin: germline.

PreventionGenetics, part of Exact Sciences
Classification: Uncertain significance for SMAD4-related condition. Last evaluated: 2023-02-14. Review status: criteria provided, single submitter. Criteria: ACMG Guidelines, 2015. Collection method: clinical testing. Allele origin: germline.
Comment: The SMAD4 c.470T>C variant is predicted to result in the amino acid substitution p.Met157Thr. To our knowledge, this variant has not been reported in the literature. This variant is reported in 0.0026% of alleles in individuals of European (Non-Finnish) descent in gnomAD. In ClinVar, it is interpreted as uncertain. At this time, the clinical significance of this variant is uncertain due to the absence of conclusive functional and genetic evidence.

GeneDx
Classification: Uncertain significance. Last evaluated: 2022-10-27. Review status: criteria provided, single submitter. Criteria: GeneDx Variant Classification Process June 2021. Collection method: clinical testing. Allele origin: germline. Affected: yes.
Comment: Not observed at significant frequency in large population cohorts (gnomAD); In silico analysis supports that this missense variant does not alter protein structure/function; Has not been previously published as pathogenic or benign to our knowledge; This variant is associated with the following publications: (PMID: 18823382, 22992590, 15235019)

Blueprint Genetics
Classification: Uncertain significance. Last evaluated: 2020-11-30. Review status: criteria provided, single submitter. Criteria: ACMG Guidelines, 2015. Collection method: clinical testing. Allele origin: germline.

Women's Health and Genetics/Laboratory Corporation of America, LabCorp
Classification: Uncertain significance. Last evaluated: 2017-05-08. Review status: criteria provided, single submitter. Criteria: LabCorp Variant Classification Summary - May 2015. Collection method: clinical testing. Allele origin: germline.
Comment: Variant summary: The SMAD4 c.470T>C (p.Met157Thr) variant causes a missense change involving the alteration of a conserved nucleotide. 2/4 in silico tools predict a benign outcome for this variant (SNPsandGO not captured due to low reliability index). This variant was found in 2/121274 control chromosomes at a frequency of 0.0000165, which is approximately 8 times the estimated maximal expected allele frequency of a pathogenic SMAD4 variant (0.000002), suggesting this variant is likely a benign polymorphism. The variant of interest has not, to our knowledge, been reported in affected individuals via publications and/or reputable databases/clinical diagnostic laboratories; nor evaluated for functional impact by in vivo/vitro studies. Taken together, this variant is classified as VUS-possibly benign.

NM_005359.6(SMAD4):c.470T>C (p.Met157Thr)

Gene: SMAD4 (SMAD family member 4; plus strand). Cytogenetic location: 18q21.2.
Variant type: single nucleotide variant.
Coding change: c.470T>C on transcript NM_005359.6 (MANE Select); coding-DNA position 470, T replaced by C.
Protein change: p.Met157Thr; replaces methionine 157 with threonine.
Molecular consequence: missense variant.
Genome position (GRCh38, 1-based): chr18:51,054,796, T>C. VCF-style: chr18-51054796-T-C. GRCh37 (hg19) VCF-style: chr18-48581166-T-C.
Other names: short protein forms M157T.
Identifiers: ClinVar variation 496289 (VCV000496289.20), dbSNP rs756675590, ClinGen allele CA8965821.
Genomic context (GRCh38, chr18:51,054,796, plus strand): 5'-ATAGAAGCTTATAAAAATTTAAAATATGTTTAATTTTCTATATAGCTCCATCAAGTATGA[T>C]GGTGAAGGATGAATATGTGCATGACTTTGAGGGACAGCCATCGTTGTCCACTGAAGGACA-3'
Protein context (NP_005350.1, residues 147-167): TLQSNAPSSM[Met157Thr]VKDEYVHDFE